The following is an entry in ClinVar:

NM_144997.7(FLCN):c.1380C>T (p.Leu460=)

Gene: FLCN (folliculin; minus strand). Cytogenetic location: 17p11.2.
Variant type: single nucleotide variant.
Coding change: c.1380C>T on transcript NM_144997.7 (MANE Select); coding-DNA position 1380, C replaced by T.
Protein change: p.Leu460=; no amino-acid change (leucine 460 retained).
Molecular consequence: synonymous variant.
Genome position (GRCh38, 1-based): chr17:17,215,237, G>A on the plus strand (C>T on the coding strand, the complement: FLCN is on the minus strand). VCF-style: chr17-17215237-G-A. GRCh37 (hg19) VCF-style: chr17-17118551-G-A.
Other names: c.1434C>T, p.Leu478= (NM_001353229.2); c.1380C>T, p.Leu460= (NM_001353230.2, NM_001353231.2).
Identifiers: ClinVar variation 701279 (VCV000701279.18), dbSNP rs773581294, ClinGen allele CA8416013.

ClinVar aggregate classification (germline): Benign/Likely benign. Review status: criteria provided, multiple submitters, no conflicts (2 of 4 stars). 5 submissions from 5 submitters: Benign (1); Likely benign (3). 1 of the submissions does not count toward it. Last evaluated 2025-12-17.

Conditions:
FLCN-related disorder. Also called: FLCN-related condition.
Familial spontaneous pneumothorax (PSP). Identifiers: Orphanet 2903, MedGen C1868193, MONDO:0008259, OMIM 173600.
17p11.2 microduplication syndrome (PTLS). Also called: CHROMOSOME 17p11.2 DUPLICATION SYNDROME; Potocki-Lupski syndrome; Duplication 17p11.2 syndrome; Potocki-Lupski syndrome (dup(17)(p11.2p11.2)). Identifiers: Orphanet 1713, MedGen C2931246, MONDO:0012574, OMIM 610883.
Birt-Hogg-Dube syndrome. Also called: Birt Hogg Dubé syndrome. Identifiers: Orphanet 122, MedGen C0346010, MONDO:0800444.
Nonpapillary renal cell carcinoma. Identifiers: Orphanet 422526, MedGen CN074294, MONDO:0007763, OMIM 144700.
Colorectal cancer. Also called: Colorectal cancer, somatic; Malignant Colorectal Neoplasm. Identifiers: MedGen C0346629, MONDO:0005575, OMIM 114500.
Hereditary cancer-predisposing syndrome. Also called: Tumor predisposition; Hereditary neoplastic syndrome; Hereditary Cancer Syndrome; Neoplastic Syndromes, Hereditary. Identifiers: Orphanet 140162, MedGen C0027672, MeSH D009386, MONDO:0015356.
Birt-Hogg-Dube syndrome 1 (BHD1). Also called: FIBROFOLLICULOMAS WITH TRICHODISCOMAS AND ACROCHORDONS. Identifiers: Orphanet 122, MedGen CN375946, MONDO:0800445, OMIM 135150.

Allele frequency attached by ClinVar (database versions not stated): TOPMed below 0.00001; ExAC 0.00001; gnomAD exomes 0.00001; gnomAD 0.00003.

Submissions (5):

Labcorp Genetics (formerly Invitae), Labcorp
Classification: Likely benign for Birt-Hogg-Dube syndrome. Last evaluated: 2025-12-17. Review status: criteria provided, single submitter. Criteria: Invitae Variant Classification Sherloc (09022015). Collection method: clinical testing. Allele origin: germline.

Myriad Genetics, Inc.
Classification: Benign for Birt-Hogg-Dube syndrome 1. Last evaluated: 2024-10-24. Review status: criteria provided, single submitter. Criteria: Myriad Autosomal Dominant, Autosomal Recessive and X-Linked Classification Criteria (2023). Collection method: clinical testing. Allele origin: unknown.
Comment: This variant is considered benign. This variant is a silent/synonymous amino acid change and it is not expected to impact splicing.

Fulgent Genetics
Classification: Likely benign for Colorectal cancer; Birt-Hogg-Dube syndrome 1; Nonpapillary renal cell carcinoma; Familial spontaneous pneumothorax; 17p11.2 microduplication syndrome. Last evaluated: 2021-10-21. Review status: criteria provided, single submitter. Criteria: ACMG Guidelines, 2015. Collection method: clinical testing. Allele origin: unknown.

Ambry Genetics
Classification: Likely benign for Hereditary cancer-predisposing syndrome. Last evaluated: 2018-09-27. Review status: criteria provided, single submitter. Criteria: Ambry Variant Classification Scheme 2023. Collection method: clinical testing. Allele origin: germline.

PreventionGenetics, part of Exact Sciences
Classification: Likely benign for FLCN-related condition. Last evaluated: 2022-01-10. Review status: no assertion criteria provided. Collection method: clinical testing. Allele origin: germline. Not counted in ClinVar's aggregate classification.
Comment: This variant is classified as likely benign based on ACMG/AMP sequence variant interpretation guidelines (Richards et al. 2015 PMID: 25741868, with internal and published modifications).